The following is an entry in ClinVar:

NM_001211.6(BUB1B):c.2985A>C (p.Lys995Asn)

Genes: BUB1B (BUB1 mitotic checkpoint serine/threonine kinase B; plus strand), BUB1B-PAK6 (BUB1B-PAK6 readthrough; plus strand). Cytogenetic location: 15q15.1.
Variant type: single nucleotide variant.
Coding change: c.2985A>C on transcript NM_001211.6 (MANE Select); coding-DNA position 2985, A replaced by C.
Protein change: p.Lys995Asn; replaces lysine 995 with asparagine.
Molecular consequence: missense variant. On other transcripts: intron variant (2).
Genome position (GRCh38, 1-based): chr15:40,220,591, A>C. VCF-style: chr15-40220591-A-C. GRCh37 (hg19) VCF-style: chr15-40512792-A-C.
Other names: c.-201+2924A>C (NM_001128628.3); c.-118+2924A>C (NM_001128629.3); short protein forms K995N.
Identifiers: ClinVar variation 1798427 (VCV001798427.2), dbSNP rs1401587687, ClinGen allele CA391689406.

ClinVar aggregate classification (germline): Uncertain significance (1 of 4 stars; one submission).

Conditions:
Inborn genetic diseases. Identifiers: MedGen C0950123, MeSH D030342.

Allele frequency attached by ClinVar (database versions not stated): gnomAD exomes below 0.00001.
gnomAD v4.1: 5 of 1,614,212 alleles (0.00031%); highest among the groups gnomAD compares: South Asian, 0.0055%; no homozygotes.

Submission:

Ambry Genetics
Classification: Uncertain significance for Inborn genetic diseases. Last evaluated: 2021-10-17. Review status: criteria provided, single submitter. Criteria: Ambry Variant Classification Scheme 2023. Collection method: clinical testing. Allele origin: germline.
Comment: The p.K995N variant (also known as c.2985A>C), located in coding exon 23 of the BUB1B gene, results from an A to C substitution at nucleotide position 2985. The lysine at codon 995 is replaced by asparagine, an amino acid with similar properties. This amino acid position is conserved. In addition, this alteration is predicted to be tolerated by in silico analysis. Since supporting evidence is limited at this time, the clinical significance of this alteration remains unclear.